The following is an entry in ClinVar:

NM_002180.3(IGHMBP2):c.830A>G (p.Gln277Arg)

Gene: IGHMBP2 (immunoglobulin mu DNA binding protein 2; plus strand). Cytogenetic location: 11q13.3.
Variant type: single nucleotide variant.
Coding change: c.830A>G on transcript NM_002180.3 (MANE Select); coding-DNA position 830, A replaced by G.
Protein change: p.Gln277Arg; replaces glutamine 277 with arginine.
Molecular consequence: missense variant.
Genome position (GRCh38, 1-based): chr11:68,914,941, A>G. VCF-style: chr11-68914941-A-G. GRCh37 (hg19) VCF-style: chr11-68682409-A-G.
Other names: short protein forms Q277R.
Identifiers: ClinVar variation 391360 (VCV000391360.33), dbSNP rs112495985, ClinGen allele CA6153406.

ClinVar aggregate classification (germline): Conflicting classifications of pathogenicity. Review status: criteria provided, conflicting classifications (1 of 4 stars). 3 submissions from 3 submitters: Uncertain significance (2); Likely benign (1). Last evaluated 2024-04-01.

Conditions:
Charcot-Marie-Tooth disease axonal type 2S. Also called: CHARCOT-MARIE-TOOTH DISEASE, AXONAL, AUTOSOMAL RECESSIVE, TYPE 2S; CHARCOT-MARIE-TOOTH NEUROPATHY, TYPE 2S. Identifiers: Orphanet 443073, MedGen C4015349, MONDO:0014511, OMIM 616155.
Autosomal recessive distal spinal muscular atrophy 1. Also called: NEURONOPATHY, DISTAL HEREDITARY MOTOR, HARDING TYPE VI; NEUROPATHY, DISTAL HEREDITARY MOTOR, AUTOSOMAL RECESSIVE 1; NEURONOPATHY, SEVERE INFANTILE AXONAL, WITH RESPIRATORY FAILURE; SEVERE INFANTILE AXONAL NEUROPATHY WITH RESPIRATORY FAILURE; SPINAL MUSCULAR ATROPHY, DIAPHRAGMATIC; Spinal muscular atrophy with respiratory distress 1. Identifiers: Orphanet 98920, MedGen C1858517, MONDO:0011436, OMIM 604320.

Allele frequency attached by ClinVar (database versions not stated): gnomAD 0.00001 and 0.00005; TOPMed 0.00002; 1000 Genomes Project 30x 0.00047; 1000 Genomes Project 0.00060.
gnomAD v4.1: 52 of 1,614,084 alleles (0.0032%); highest among the groups gnomAD compares: African/African-American, 0.036%; no homozygotes.

Submissions (3):

CeGaT Center for Human Genetics Tuebingen
Classification: Likely benign. Last evaluated: 2024-04-01. Review status: criteria provided, single submitter. Criteria: CeGaT Center For Human Genetics Tuebingen Variant Classification Criteria Version 2. Collection method: clinical testing. Allele origin: germline. Affected: yes. Observed: 1 variant allele.
Comment: IGHMBP2: BP4

Labcorp Genetics (formerly Invitae), Labcorp
Classification: Uncertain significance for Autosomal recessive distal spinal muscular atrophy 1; Charcot-Marie-Tooth disease axonal type 2S. Last evaluated: 2021-09-01. Review status: criteria provided, single submitter. Criteria: Invitae Variant Classification Sherloc (09022015). Collection method: clinical testing. Allele origin: germline.
Comment: This sequence change replaces glutamine with arginine at codon 277 of the IGHMBP2 protein (p.Gln277Arg). The glutamine residue is weakly conserved and there is a small physicochemical difference between glutamine and arginine. This variant is present in population databases (rs112495985, ExAC 0.03%). This variant has not been reported in the literature in individuals affected with IGHMBP2-related conditions. ClinVar contains an entry for this variant (Variation ID: 391360). Algorithms developed to predict the effect of missense changes on protein structure and function output the following: SIFT: "Tolerated"; PolyPhen-2: "Benign"; Align-GVGD: "Class C0". The arginine amino acid residue is found in multiple mammalian species, which suggests that this missense change does not adversely affect protein function. In summary, the available evidence is currently insufficient to determine the role of this variant in disease. Therefore, it has been classified as a Variant of Uncertain Significance.

GeneDx
Classification: Uncertain significance. Last evaluated: 2016-12-02. Review status: criteria provided, single submitter. Criteria: GeneDx Variant Classification (06012015). Collection method: clinical testing. Allele origin: germline. Affected: yes.
Comment: A variant of uncertain significance has been identified in the IGHMBP2 gene. The Q277R variant has not been published as a pathogenic variant, nor has it been reported as a benign variant to our knowledge. The Q277R variant is not observed at a significant frequency in large population cohorts (Lek et al., 2016; 1000 Genomes Consortium et al., 2015; Exome Variant Server). The Q277R variant is a semi-conservative amino acid substitution, which may impact secondary protein structure as these residues differ in some properties. Additionally, this substitution is predicted to be within the helicase domain (Lim et al., 2012; Cottenie et al., 2014; Jedrzejowska et al., 2014). However, this substitution occurs at a position that is not conserved. In silico analysis is inconsistent in its predictions as to whether or not the variant is damaging to the protein structure/function. Therefore, based on the currently available information, it is unclear whether this variant is a pathogenic variant or a rare benign variant.